The following is an entry in ClinVar:

NM_018344.6(SLC29A3):c.269C>T (p.Thr90Ile)

Gene: SLC29A3 (solute carrier family 29 member 3; plus strand). Cytogenetic location: 10q22.1.
Variant type: single nucleotide variant.
Coding change: c.269C>T on transcript NM_018344.6 (MANE Select); coding-DNA position 269, C replaced by T.
Protein change: p.Thr90Ile; replaces threonine 90 with isoleucine.
Molecular consequence: missense variant. On other transcripts: non-coding transcript variant (2).
Genome position (GRCh38, 1-based): chr10:71,323,023, C>T. VCF-style: chr10-71323023-C-T. GRCh37 (hg19) VCF-style: chr10-73082780-C-T.
Other names: c.269C>T, p.Thr90Ile (NM_001174098.2); c.35C>T, p.Thr12Ile (NM_001363518.2); short protein forms T12I, T90I.
Identifiers: ClinVar variation 661241 (VCV000661241.46), dbSNP rs138389471, ClinGen allele CA5542858.

ClinVar aggregate classification (germline): Uncertain significance. Review status: criteria provided, multiple submitters, no conflicts (2 of 4 stars). 4 submissions from 4 submitters: Uncertain significance (4). Last evaluated 2025-09-01.

Conditions:
Inborn genetic diseases. Identifiers: MedGen C0950123, MeSH D030342.
H syndrome. Also called: HISTIOCYTOSIS AND LYMPHADENOPATHY WITH OR WITHOUT CUTANEOUS, CARDIAC, AND/OR ENDOCRINE FEATURES, JOINT CONTRACTURES, AND/OR DEAFNESS; HYPERPIGMENTATION, CUTANEOUS, WITH HYPERTRICHOSIS, HEPATOSPLENOMEGALY, HEART ANOMALIES, AND HYPOGONADISM WITH OR WITHOUT HEARING LOSS; PIGMENTED HYPERTRICHOSIS WITH INSULIN-DEPENDENT DIABETES MELLITUS; ROSAI-DORFMAN DISEASE, FAMILIAL; SINUS HISTIOCYTOSIS AND MASSIVE LYMPHADENOPATHY; Hyperpigmentation, Cutaneous, with Hypertrichosis, Hepatosplenomegaly, Heart Anomalies, Hearing Loss, and Hypogonadism. Identifiers: Orphanet 168569, MedGen C1864445, MONDO:0011273, OMIM 602782.

Allele frequency attached by ClinVar (database versions not stated): gnomAD exomes 0.00008 and 0.00009; TOPMed 0.00010; ExAC 0.00011; gnomAD 0.00011 and 0.00013; ESP Exome Variant Server 0.00015.
gnomAD v4.1: 150 of 1,613,632 alleles (0.0093%); highest among the groups gnomAD compares: Middle Eastern, 0.017%; no homozygotes.

Submissions (4):

CeGaT Center for Human Genetics Tuebingen
Classification: Uncertain significance. Last evaluated: 2025-09-01. Review status: criteria provided, single submitter. Criteria: CeGaT Center For Human Genetics Tuebingen Variant Classification Criteria Version 2. Collection method: clinical testing. Allele origin: germline. Affected: yes. Observed: 2 variant alleles.
Comment: SLC29A3: PM2, BP4

Ambry Genetics
Classification: Uncertain significance for Inborn genetic diseases. Last evaluated: 2024-11-09. Review status: criteria provided, single submitter. Criteria: Ambry Variant Classification Scheme 2023. Collection method: clinical testing. Allele origin: germline.

Labcorp Genetics (formerly Invitae), Labcorp
Classification: Uncertain significance for H syndrome. Last evaluated: 2022-04-12. Review status: criteria provided, single submitter. Criteria: Invitae Variant Classification Sherloc (09022015). Collection method: clinical testing. Allele origin: germline.
Comment: This sequence change replaces threonine, which is neutral and polar, with isoleucine, which is neutral and non-polar, at codon 90 of the SLC29A3 protein (p.Thr90Ile). This variant is present in population databases (rs138389471, gnomAD 0.01%). This variant has not been reported in the literature in individuals affected with SLC29A3-related conditions. ClinVar contains an entry for this variant (Variation ID: 661241). Algorithms developed to predict the effect of missense changes on protein structure and function (SIFT, PolyPhen-2, Align-GVGD) all suggest that this variant is likely to be tolerated. In summary, the available evidence is currently insufficient to determine the role of this variant in disease. Therefore, it has been classified as a Variant of Uncertain Significance.

Center for Genomics, Ann and Robert H. Lurie Children's Hospital of Chicago
Classification: Uncertain significance for H syndrome. Last evaluated: 2021-03-17. Review status: criteria provided, single submitter. Criteria: ACMG Guidelines, 2015. Collection method: clinical testing. Allele origin: germline.
Comment: SLC29A3 NM_018344.5 exon 2 p.Thr90Ile (c.269C>T): This variant has not been reported in the literature but present in 0.02% (4/15292) of Latino alleles in the Genome Aggregation Database. This variant is present in ClinVar (Variation ID:661241). Evolutionary conservation and computational predictive tools suggest that this variant may not impact the protein. In summary, data on this variant is insufficient for disease classification. Therefore, the clinical significance of this variant is uncertain.